The following is an entry in ClinVar:

NM_002076.4(GNS):c.531G>T (p.Lys177Asn)

Gene: GNS (glucosamine (N-acetyl)-6-sulfatase; minus strand). Cytogenetic location: 12q14.3.
Variant type: single nucleotide variant.
Coding change: c.531G>T on transcript NM_002076.4 (MANE Select); coding-DNA position 531, G replaced by T.
Protein change: p.Lys177Asn; replaces lysine 177 with asparagine.
Molecular consequence: missense variant.
Genome position (GRCh38, 1-based): chr12:64,744,902, C>A on the plus strand (G>T on the coding strand, the complement: GNS is on the minus strand). VCF-style: chr12-64744902-C-A. GRCh37 (hg19) VCF-style: chr12-65138682-C-A.
Other names: short protein forms K177N.
Identifiers: ClinVar variation 1029410 (VCV001029410.3), dbSNP rs1435047831, ClinGen allele CA385609621.

ClinVar aggregate classification (germline): Uncertain significance. Review status: criteria provided, multiple submitters, no conflicts (2 of 4 stars). 2 submissions from 2 submitters: Uncertain significance (2). Last evaluated 2022-09-01.

Conditions:
Mucopolysaccharidosis, MPS-III-D (MPS3D). Also called: MPS IIID (Sanfilippo Syndrome Type D); MUCOPOLYSACCHARIDOSIS, TYPE IIID; N-ACETYLGLUCOSAMINE-6-SULFATASE DEFICIENCY; SANFILIPPO SYNDROME D; MPS III D; Mucopoly-saccharidosis type 3D. Identifiers: Orphanet 581, Orphanet 79272, MedGen C0086650, MONDO:0009658, OMIM 252940.

Allele frequency attached by ClinVar (database versions not stated): gnomAD 0.00001; TOPMed 0.00001; gnomAD exomes below 0.00001.

Submissions (2):

Labcorp Genetics (formerly Invitae), Labcorp
Classification: Uncertain significance for Mucopolysaccharidosis, MPS-III-D. Last evaluated: 2022-09-01. Review status: criteria provided, single submitter. Criteria: Invitae Variant Classification Sherloc (09022015). Collection method: clinical testing. Allele origin: germline.
Comment: This sequence change replaces lysine, which is basic and polar, with asparagine, which is neutral and polar, at codon 177 of the GNS protein (p.Lys177Asn). The frequency data for this variant in the population databases is considered unreliable, as metrics indicate poor data quality at this position in the gnomAD database. This variant has not been reported in the literature in individuals affected with GNS-related conditions. ClinVar contains an entry for this variant (Variation ID: 1029410). Algorithms developed to predict the effect of missense changes on protein structure and function are either unavailable or do not agree on the potential impact of this missense change (SIFT: "Tolerated"; PolyPhen-2: "Possibly Damaging"; Align-GVGD: "Class C0"). In summary, the available evidence is currently insufficient to determine the role of this variant in disease. Therefore, it has been classified as a Variant of Uncertain Significance.

Baylor Genetics
Classification: Uncertain significance for Mucopolysaccharidosis, MPS-III-D. Last evaluated: 2019-06-19. Review status: criteria provided, single submitter. Criteria: ACMG Guidelines, 2015. Collection method: clinical testing. Allele origin: unknown. Affected: yes.
Comment: This variant was determined to be of uncertain significance according to ACMG Guidelines, 2015 [PMID:25741868].